The following is an entry in ClinVar:

ClinVar aggregate classification (germline): Uncertain significance. Review status: criteria provided, multiple submitters, no conflicts (2 of 4 stars). 2 submissions from 2 submitters: Uncertain significance (2). Last evaluated 2025-04-11.

Conditions:
Acute myeloid leukemia (AML). Also called: Acute myeloid leukemia, adult; AML adult; Acute non-lymphocytic leukemia; Acute granulocytic leukemia; Leukemia, acute myeloid, somatic; Leukemia, acute myelogenous, somatic. Identifiers: Orphanet 519, MedGen C0023467, MeSH D015470, MONDO:0018874, OMIM 601626, HP:0004808. Disease mechanism: Constitutively activated FLT3.
Inborn genetic diseases. Identifiers: MedGen C0950123, MeSH D030342.

gnomAD v4.1: 3 of 1,612,710 alleles (0.00019%); highest among the groups gnomAD compares: South Asian, 0.0022%; no homozygotes.

Submissions (2):

Ambry Genetics
Classification: Uncertain significance for Inborn genetic diseases. Last evaluated: 2025-04-11. Review status: criteria provided, single submitter. Criteria: Ambry Variant Classification Scheme 2023. Collection method: clinical testing. Allele origin: germline.
Comment: The p.R325C variant (also known as c.973C>T), located in coding exon 1 of the CEBPA gene, results from a C to T substitution at nucleotide position 973. The arginine at codon 325 is replaced by cysteine, an amino acid with highly dissimilar properties. This amino acid position is highly conserved in available vertebrate species. In addition, the in silico prediction for this alteration is inconclusive. Based on the available evidence, the clinical significance of this variant remains unclear.

Labcorp Genetics (formerly Invitae), Labcorp
Classification: Uncertain significance for Acute myeloid leukemia. Last evaluated: 2024-04-29. Review status: criteria provided, single submitter. Criteria: Invitae Variant Classification Sherloc (09022015). Collection method: clinical testing. Allele origin: germline.
Comment: This sequence change replaces arginine, which is basic and polar, with cysteine, which is neutral and slightly polar, at codon 325 of the CEBPA protein (p.Arg325Cys). This variant is not present in population databases (gnomAD no frequency). This variant has not been reported in the literature in individuals affected with CEBPA-related conditions. Advanced modeling of protein sequence and biophysical properties (such as structural, functional, and spatial information, amino acid conservation, physicochemical variation, residue mobility, and thermodynamic stability) performed at Invitae indicates that this missense variant is expected to disrupt CEBPA protein function with a positive predictive value of 80%. In summary, the available evidence is currently insufficient to determine the role of this variant in disease. Therefore, it has been classified as a Variant of Uncertain Significance.

NM_004364.5(CEBPA):c.973C>T (p.Arg325Cys)

Gene: CEBPA (CCAAT enhancer binding protein alpha; minus strand). Cytogenetic location: 19q13.11.
Variant type: single nucleotide variant.
Coding change: c.973C>T on transcript NM_004364.5 (MANE Select); coding-DNA position 973, C replaced by T.
Protein change: p.Arg325Cys; replaces arginine 325 with cysteine.
Molecular consequence: missense variant.
Genome position (GRCh38, 1-based): chr19:33,301,442, G>A on the plus strand (C>T on the coding strand, the complement: CEBPA is on the minus strand). VCF-style: chr19-33301442-G-A. GRCh37 (hg19) VCF-style: chr19-33792348-G-A.
Other names: c.616C>T, p.Arg206Cys (NM_001285829.2); c.1078C>T, p.Arg360Cys (NM_001287424.2); c.931C>T, p.Arg311Cys (NM_001287435.2); short protein forms R311C, R325C, R206C, R360C.
Identifiers: ClinVar variation 3651553 (VCV003651553.3).